The following is an entry in ClinVar:

ClinVar aggregate classification (germline): Uncertain significance (1 of 4 stars; one submission).

Conditions:
Hereditary cancer-predisposing syndrome. Also called: Tumor predisposition; Neoplastic Syndromes, Hereditary; Hereditary Cancer Syndrome; Hereditary neoplastic syndrome. Identifiers: Orphanet 140162, MedGen C0027672, MeSH D009386, MONDO:0015356.

Submission:

Ambry Genetics
Classification: Uncertain significance for Hereditary cancer-predisposing syndrome. Last evaluated: 2024-09-03. Review status: criteria provided, single submitter. Criteria: Ambry Variant Classification Scheme 2023. Collection method: clinical testing. Allele origin: germline.
Comment: The p.V190A variant (also known as c.569T>C), located in coding exon 6 of the EPCAM gene, results from a T to C substitution at nucleotide position 569. The valine at codon 190 is replaced by alanine, an amino acid with similar properties. This amino acid position is conserved. In addition, this alteration is predicted to be tolerated by in silico analysis. Based on the available evidence, the clinical significance of this variant remains unclear.

NM_002354.3(EPCAM):c.569T>C (p.Val190Ala)

Gene: EPCAM (epithelial cell adhesion molecule; plus strand). Cytogenetic location: 2p21.
Variant type: single nucleotide variant.
Coding change: c.569T>C on transcript NM_002354.3 (MANE Select); coding-DNA position 569, T replaced by C.
Protein change: p.Val190Ala; replaces valine 190 with alanine.
Molecular consequence: missense variant.
Genome position (GRCh38, 1-based): chr2:47,378,966, T>C. VCF-style: chr2-47378966-T-C. GRCh37 (hg19) VCF-style: chr2-47606105-T-C.
Other names: short protein forms V190A.
Identifiers: ClinVar variation 3509178 (VCV003509178.1).